The following is an entry in ClinVar:

NM_001367624.2(ZNF469):c.6834C>T (p.Ser2278=)

Gene: ZNF469 (zinc finger protein 469; plus strand). Cytogenetic location: 16q24.2.
Variant type: single nucleotide variant.
Coding change: c.6834C>T on transcript NM_001367624.2 (MANE Select); coding-DNA position 6834, C replaced by T.
Protein change: p.Ser2278=; no amino-acid change (serine 2278 retained).
Molecular consequence: synonymous variant.
Genome position (GRCh38, 1-based): chr16:88,434,304, C>T. VCF-style: chr16-88434304-C-T. GRCh37 (hg19) VCF-style: chr16-88500712-C-T.
Other names: NM_001127464.1:c.6750C>T; NM_001127464.2:c.6750C>T.
Identifiers: ClinVar variation 1755243 (VCV001755243.7), dbSNP rs995224333, ClinGen allele CA286382080.

ClinVar aggregate classification (germline): Likely benign. Review status: criteria provided, multiple submitters, no conflicts (2 of 4 stars). 4 submissions from 4 submitters: Likely benign (4). Last evaluated 2025-09-22.

Conditions:
ZNF469-related disorder. Also called: ZNF469-related condition.
Cardiovascular phenotype. Identifiers: MedGen CN230736.

Allele frequency attached by ClinVar (database versions not stated): TOPMed below 0.00001; gnomAD 0.00001.
gnomAD v4.1: 1 of 1,550,252 alleles (0.000065%); highest among the groups gnomAD compares: Non-Finnish European, 0.000087%; no homozygotes.

Submissions (4):

Labcorp Genetics (formerly Invitae), Labcorp
Classification: Likely benign. Last evaluated: 2025-09-22. Review status: criteria provided, single submitter. Criteria: Invitae Variant Classification Sherloc (09022015). Collection method: clinical testing. Allele origin: germline.

Women's Health and Genetics/Laboratory Corporation of America, LabCorp
Classification: Likely benign. Last evaluated: 2025-06-02. Review status: criteria provided, single submitter. Criteria: LabCorp Variant Classification Summary - May 2015. Collection method: clinical testing. Allele origin: germline.

PreventionGenetics, part of Exact Sciences
Classification: Likely benign for ZNF469-related condition. Last evaluated: 2025-01-22. Review status: criteria provided, single submitter. Criteria: ACMG Guidelines, 2015. Collection method: clinical testing. Allele origin: germline.
Comment: This variant is classified as likely benign based on ACMG/AMP sequence variant interpretation guidelines (Richards et al. 2015 PMID: 25741868, with internal and published modifications).

Ambry Genetics
Classification: Likely benign for Cardiovascular phenotype. Last evaluated: 2019-08-10. Review status: criteria provided, single submitter. Criteria: Ambry Variant Classification Scheme 2023. Collection method: clinical testing. Allele origin: germline.